The following is an entry in ClinVar:

NM_001267550.2(TTN):c.72471T>C (p.His24157=)

Genes: TTN-AS1 (TTN antisense RNA 1; plus strand), TTN (titin; minus strand). Cytogenetic location: 2q31.2.
Variant type: single nucleotide variant.
Coding change: c.72471T>C on transcript NM_001267550.2 (MANE Select); coding-DNA position 72471, T replaced by C.
Protein change: p.His24157=; no amino-acid change (histidine 24157 retained).
Molecular consequence: synonymous variant.
Genome position (GRCh38, 1-based): chr2:178,573,661, A>G on the plus strand (T>C on the coding strand, the complement: TTN is on the minus strand). VCF-style: chr2-178573661-A-G. GRCh37 (hg19) VCF-style: chr2-179438388-A-G.
Other names: c.67548T>C, p.His22516= (NM_001256850.1); c.45276T>C, p.His15092= (NM_003319.4); c.64767T>C, p.His21589= (NM_133378.4); c.45651T>C, p.His15217= (NM_133432.3); c.45852T>C, p.His15284= (NM_133437.4).
Identifiers: ClinVar variation 703656 (VCV000703656.15), dbSNP rs188558683, ClinGen allele CA1990496.

ClinVar aggregate classification (germline): Likely benign. Review status: criteria provided, multiple submitters, no conflicts (2 of 4 stars). 3 submissions from 3 submitters: Likely benign (3). Last evaluated 2025-12-19.

Conditions:
TTN-related disorder. Also called: TTN-related condition; TTN-related disease; TTN-related disorders.
Autosomal recessive limb-girdle muscular dystrophy type 2J (LGMDR10). Also called: Limb-girdle muscular dystrophy, type 2J; MUSCULAR DYSTROPHY, LIMB-GIRDLE, AUTOSOMAL RECESSIVE 10. Identifiers: Orphanet 140922, MedGen C1837342, MONDO:0012127, OMIM 608807.
Dilated cardiomyopathy 1G (CMD1G). Identifiers: Orphanet 154, MedGen C1858763, MONDO:0011400, OMIM 604145.
Cardiovascular phenotype. Identifiers: MedGen CN230736.

Allele frequency attached by ClinVar (database versions not stated): gnomAD exomes 0.00001 and 0.00003; gnomAD 0.00002 and 0.00004; TOPMed 0.00003; ExAC 0.00004; 1000 Genomes Project 30x 0.00031; 1000 Genomes Project 0.00040.
gnomAD v4.1: 15 of 1,515,768 alleles (0.00099%); highest among the groups gnomAD compares: East Asian, 0.032%; no homozygotes.

Submissions (3):

Ambry Genetics
Classification: Likely benign for Cardiovascular phenotype. Last evaluated: 2025-12-19. Review status: criteria provided, single submitter. Criteria: Ambry Variant Classification Scheme 2023. Collection method: clinical testing. Allele origin: germline.

Labcorp Genetics (formerly Invitae), Labcorp
Classification: Likely benign for Dilated cardiomyopathy 1G; Autosomal recessive limb-girdle muscular dystrophy type 2J. Last evaluated: 2025-09-04. Review status: criteria provided, single submitter. Criteria: Invitae Variant Classification Sherloc (09022015). Collection method: clinical testing. Allele origin: germline.

PreventionGenetics, part of Exact Sciences
Classification: Likely benign for TTN-related condition. Last evaluated: 2024-11-21. Review status: criteria provided, single submitter. Criteria: ACMG Guidelines, 2015. Collection method: clinical testing. Allele origin: germline.
Comment: This variant is classified as likely benign based on ACMG/AMP sequence variant interpretation guidelines (Richards et al. 2015 PMID: 25741868, with internal and published modifications).